The following is an entry in ClinVar:

ClinVar aggregate classification (germline): Likely benign. Review status: criteria provided, multiple submitters, no conflicts (2 of 4 stars). 2 submissions from 2 submitters: Likely benign (2). Last evaluated 2026-07-01.

Submissions (2):

CeGaT Center for Human Genetics Tuebingen
Classification: Likely benign. Last evaluated: 2026-07-01. Review status: criteria provided, single submitter. Criteria: CeGaT Center For Human Genetics Tuebingen Variant Classification Criteria Version 2. Collection method: clinical testing. Allele origin: germline. Affected: yes. Observed: 2 variant alleles.
Comment: ABCA2: BS2

Blueprint Genetics
Classification: Likely benign. Last evaluated: 2024-11-27. Review status: criteria provided, single submitter. Criteria: ACMG Guidelines, 2015. Collection method: clinical testing. Allele origin: germline.

NM_001606.5(ABCA2):c.788G>A (p.Gly263Asp)

Gene: ABCA2 (ATP binding cassette subfamily A member 2; minus strand). Cytogenetic location: 9q34.3.
Variant type: single nucleotide variant.
Coding change: c.788G>A on transcript NM_001606.5 (MANE Select); coding-DNA position 788, G replaced by A.
Protein change: p.Gly263Asp; replaces glycine 263 with aspartic acid.
Molecular consequence: missense variant.
Genome position (GRCh38, 1-based): chr9:137,021,501, C>T on the plus strand (G>A on the coding strand, the complement: ABCA2 is on the minus strand). VCF-style: chr9-137021501-C-T. GRCh37 (hg19) VCF-style: chr9-139915953-C-T.
Other names: c.785G>A, p.Gly262Asp (NM_001411042.1); c.878G>A, p.Gly293Asp (NM_212533.3); short protein forms G262D, G263D, G293D.
Identifiers: ClinVar variation 4533720 (VCV004533720.7).